The following is an entry in ClinVar:

NM_001367823.1(ARHGEF18):c.2728G>A (p.Ala910Thr)

Gene: ARHGEF18 (Rho/Rac guanine nucleotide exchange factor 18; plus strand). Cytogenetic location: 19p13.2.
Variant type: single nucleotide variant.
Coding change: c.2728G>A on transcript NM_001367823.1 (MANE Select); coding-DNA position 2728, G replaced by A.
Protein change: p.Ala910Thr; replaces alanine 910 with threonine.
Molecular consequence: missense variant.
Genome position (GRCh38, 1-based): chr19:7,463,910, G>A. VCF-style: chr19-7463910-G-A. GRCh37 (hg19) VCF-style: chr19-7528796-G-A.
Other names: c.2002G>A, p.Ala668Thr (NM_001130955.2); c.1690G>A, p.Ala564Thr (NM_001367824.1, NM_015318.4); short protein forms A668T, A564T, A910T.
Identifiers: ClinVar variation 2846382 (VCV002846382.2), dbSNP rs1976448886, ClinGen allele CA403082151.
Genomic context (GRCh38, chr19:7,463,910, plus strand): 5'-CTGGGCAGCGCCAACGGCCAGGCGGAAGACGGAGGCAGCTCCACAGGCCCGCCCAGGAGG[G>A]CTGAGACCTTCGCGGGCTACGACTGCACAAACAGCCCCACCAAGAGTAAGAGCGGGGCCG-3'
Protein context (NP_001354752.1, residues 900-920): GGSSTGPPRR[Ala910Thr]ETFAGYDCTN

ClinVar aggregate classification (germline): Uncertain significance (1 of 4 stars; one submission).

Allele frequency attached by ClinVar (database versions not stated): TOPMed below 0.00001.
gnomAD v4.1: 10 of 1,598,980 alleles (0.00063%); highest among the groups gnomAD compares: Non-Finnish European, 0.00085%; no homozygotes.

Submission:

Labcorp Genetics (formerly Invitae), Labcorp
Classification: Uncertain significance. Last evaluated: 2023-12-31. Review status: criteria provided, single submitter. Criteria: Invitae Variant Classification Sherloc (09022015). Collection method: clinical testing. Allele origin: germline.
Comment: This sequence change replaces alanine, which is neutral and non-polar, with threonine, which is neutral and polar, at codon 722 of the ARHGEF18 protein (p.Ala722Thr). This variant is not present in population databases (gnomAD no frequency). This variant has not been reported in the literature in individuals affected with ARHGEF18-related conditions. An algorithm developed to predict the effect of missense changes on protein structure and function (PolyPhen-2) suggests that this variant¬¨‚Ä†is likely to be tolerated. In summary, the available evidence is currently insufficient to determine the role of this variant in disease. Therefore, it has been classified as a Variant of Uncertain Significance.